The following is an entry in ClinVar:

NM_016529.6(ATP8A2):c.1420G>T (p.Asp474Tyr)

Gene: ATP8A2 (ATPase phospholipid transporting 8A2). Cytogenetic location: 13q12.13.
Variant type: single nucleotide variant.
Coding change: c.1420G>T on transcript NM_016529.6 (MANE Select); coding-DNA position 1420, G replaced by T.
Protein change: p.Asp474Tyr; replaces aspartic acid 474 with tyrosine.
Molecular consequence: missense variant.
Genome position (GRCh38, 1-based): chr13:25,563,978, G>T. VCF-style: chr13-25563978-G-T. GRCh37 (hg19) VCF-style: chr13-26138116-G-T.
Other names: c.1300G>T, p.Asp434Tyr (NM_001313741.1); c.1420G>T, p.Asp474Tyr (NM_001411005.1, NM_001411006.1); c.1420G>T (NM_016529.4); short protein forms D434Y, D474Y.
Identifiers: ClinVar variation 2167858 (VCV002167858.6), dbSNP rs1360120521, ClinGen allele CA387613852.

ClinVar aggregate classification (germline): Uncertain significance. Review status: criteria provided, multiple submitters, no conflicts (2 of 4 stars). 3 submissions from 3 submitters: Uncertain significance (3). Last evaluated 2023-12-19.

Conditions:
Inborn genetic diseases. Identifiers: MedGen C0950123, MeSH D030342.

Allele frequency attached by ClinVar (database versions not stated): gnomAD exomes 0.00001; gnomAD 0.00002.
gnomAD v4.1: 9 of 1,612,930 alleles (0.00056%); highest among the groups gnomAD compares: Admixed American, 0.01%; no homozygotes.

Submissions (3):

Ambry Genetics
Classification: Uncertain significance for Inborn genetic diseases. Last evaluated: 2023-12-19. Review status: criteria provided, single submitter. Criteria: Ambry Variant Classification Scheme 2023. Collection method: clinical testing. Allele origin: germline.

GeneDx
Classification: Uncertain significance. Last evaluated: 2023-06-18. Review status: criteria provided, single submitter. Criteria: GeneDx Variant Classification Process June 2021. Collection method: clinical testing. Allele origin: germline. Affected: yes.
Comment: In silico analysis supports that this missense variant has a deleterious effect on protein structure/function; Has not been previously published as pathogenic or benign to our knowledge

Labcorp Genetics (formerly Invitae), Labcorp
Classification: Uncertain significance. Last evaluated: 2022-03-24. Review status: criteria provided, single submitter. Criteria: Invitae Variant Classification Sherloc (09022015). Collection method: clinical testing. Allele origin: germline.
Comment: This variant has not been reported in the literature in individuals affected with ATP8A2-related conditions. In summary, the available evidence is currently insufficient to determine the role of this variant in disease. Therefore, it has been classified as a Variant of Uncertain Significance. Algorithms developed to predict the effect of missense changes on protein structure and function are either unavailable or do not agree on the potential impact of this missense change (SIFT: "Deleterious"; PolyPhen-2: "Possibly Damaging"; Align-GVGD: "Class C0"). This variant is present in population databases (no rsID available, gnomAD 0.006%). This sequence change replaces aspartic acid, which is acidic and polar, with tyrosine, which is neutral and polar, at codon 474 of the ATP8A2 protein (p.Asp474Tyr).